The following is an entry in ClinVar:

ClinVar aggregate classification (germline): Uncertain significance (1 of 4 stars; one submission).

Conditions:
Inborn genetic diseases. Identifiers: MedGen C0950123, MeSH D030342.

gnomAD v4.1: 9 of 1,613,778 alleles (0.00056%); highest among the groups gnomAD compares: Non-Finnish European, 0.00076%; no homozygotes.

Submission:

Ambry Genetics
Classification: Uncertain significance for Inborn genetic diseases. Last evaluated: 2025-01-23. Review status: criteria provided, single submitter. Criteria: Ambry Variant Classification Scheme 2023. Collection method: clinical testing. Allele origin: germline.
Comment: The p.E291Q variant (also known as c.871G>C), located in coding exon 1 of the SAMD9 gene, results from a G to C substitution at nucleotide position 871. The glutamic acid at codon 291 is replaced by glutamine, an amino acid with highly similar properties. This amino acid position is conserved. In addition, this alteration is predicted to be tolerated by in silico analysis. Based on the available evidence, the clinical significance of this variant remains unclear.

NM_017654.4(SAMD9):c.871G>C (p.Glu291Gln)

Gene: SAMD9 (sterile alpha motif domain containing 9; minus strand). Cytogenetic location: 7q21.2.
Variant type: single nucleotide variant.
Coding change: c.871G>C on transcript NM_017654.4 (MANE Select); coding-DNA position 871, G replaced by C.
Protein change: p.Glu291Gln; replaces glutamic acid 291 with glutamine.
Molecular consequence: missense variant.
Genome position (GRCh38, 1-based): chr7:93,105,227, C>G on the plus strand (G>C on the coding strand, the complement: SAMD9 is on the minus strand). VCF-style: chr7-93105227-C-G. GRCh37 (hg19) VCF-style: chr7-92734540-C-G.
Other names: c.871G>C, p.Glu291Gln (NM_001193307.2); short protein forms E291Q.
Identifiers: ClinVar variation 3792017 (VCV003792017.1).